The following is an entry in ClinVar:

ClinVar aggregate classification (germline): Benign/Likely benign. Review status: criteria provided, multiple submitters, no conflicts (2 of 4 stars). 6 submissions from 6 submitters: Benign (2); Likely benign (3). 1 of the submissions does not count toward it. Last evaluated 2025-10-13.

Conditions:
FLNA-related disorder.
Frontometaphyseal dysplasia (FMD1). Identifiers: Orphanet 1826, MedGen C0265293, MONDO:0015942.
Melnick-Needles syndrome (MNS). Also called: MELNICK-NEEDLES OSTEODYSPLASTY; Melnick-Needles Syndrome (FLNA-MNS); OSTEODYSPLASTY OF MELNICK AND NEEDLES. Identifiers: Orphanet 2484, MedGen C0025237, MONDO:0010650, OMIM 309350.
Oto-palato-digital syndrome, type II (OPD2). Also called: FACIOPALATOOSSEOUS SYNDROME; Otopalatodigital Syndrome Type 2 (FLNA-OPD2); Otopalatodigital Syndrome, Type II; OPD II SYNDROME. Identifiers: Orphanet 669, Orphanet 90652, MedGen C1844696, MONDO:0010571, OMIM 304120.
Heterotopia, periventricular, X-linked dominant (PVNH1). Also called: PERIVENTRICULAR NODULAR HETEROTOPIA 4; HETEROTOPIA, PERIVENTRICULAR, 1; X-linked periventricular heterotopia; PERIVENTRICULAR NODULAR HETEROTOPIA 1. Identifiers: Orphanet 2149, Orphanet 82004, MedGen C1848213, MONDO:0010233, OMIM 300049.
Familial thoracic aortic aneurysm and aortic dissection (TAAD). Also called: Thoracic aortic aneurysms and dissections. Identifiers: Orphanet 91387, MedGen C4707243, MONDO:0019625.

Allele frequency attached by ClinVar (database versions not stated): gnomAD 0.00001; gnomAD exomes 0.00003 and 0.00010; TOPMed 0.00003; ExAC 0.00006.

Submissions (6):

Labcorp Genetics (formerly Invitae), Labcorp
Classification: Benign for Oto-palato-digital syndrome, type II; Heterotopia, periventricular, X-linked dominant; Frontometaphyseal dysplasia; Melnick-Needles syndrome. Last evaluated: 2025-10-13. Review status: criteria provided, single submitter. Criteria: Invitae Variant Classification Sherloc (09022015). Collection method: clinical testing. Allele origin: germline.

Women's Health and Genetics/Laboratory Corporation of America, LabCorp
Classification: Benign. Last evaluated: 2024-08-11. Review status: criteria provided, single submitter. Criteria: LabCorp Variant Classification Summary - May 2015. Collection method: clinical testing. Allele origin: germline.

Blueprint Genetics
Classification: Likely benign. Last evaluated: 2022-08-02. Review status: criteria provided, single submitter. Criteria: ACMG Guidelines, 2015. Collection method: clinical testing. Allele origin: germline.

GeneDx
Classification: Likely benign. Last evaluated: 2020-02-27. Review status: criteria provided, single submitter. Criteria: GeneDx Variant Classification Process June 2021. Collection method: clinical testing. Allele origin: germline. Affected: yes.

Ambry Genetics
Classification: Likely benign for Familial thoracic aortic aneurysm and aortic dissection. Last evaluated: 2015-03-16. Review status: criteria provided, single submitter. Criteria: Ambry Variant Classification Scheme 2023. Collection method: clinical testing. Allele origin: germline.

PreventionGenetics, part of Exact Sciences
Classification: Likely benign for FLNA-related condition. Last evaluated: 2019-12-26. Review status: no assertion criteria provided. Collection method: clinical testing. Allele origin: germline. Not counted in ClinVar's aggregate classification.
Comment: This variant is classified as likely benign based on ACMG/AMP sequence variant interpretation guidelines (Richards et al. 2015 PMID: 25741868, with internal and published modifications).

NM_001110556.2(FLNA):c.3420C>T (p.Phe1140=)

Gene: FLNA (filamin A; minus strand). Cytogenetic location: Xq28.
Variant type: single nucleotide variant.
Coding change: c.3420C>T on transcript NM_001110556.2 (MANE Select); coding-DNA position 3420, C replaced by T.
Protein change: p.Phe1140=; no amino-acid change (phenylalanine 1140 retained).
Molecular consequence: synonymous variant.
Genome position (GRCh38, 1-based): chrX:154,360,375, G>A on the plus strand (C>T on the coding strand, the complement: FLNA is on the minus strand). VCF-style: chrX-154360375-G-A. GRCh37 (hg19) VCF-style: chrX-153588743-G-A.
Other names: c.3420C>T, p.Phe1140= (NM_001456.4); c.3420C>T (NM_001110556.1).
Identifiers: ClinVar variation 263933 (VCV000263933.21), dbSNP rs782219300, ClinGen allele CA10560707.